The following is an entry in ClinVar:

ClinVar aggregate classification (germline): Likely benign. Review status: criteria provided, multiple submitters, no conflicts (2 of 4 stars). 3 submissions from 3 submitters: Likely benign (3). Last evaluated 2025-10-02.

Conditions:
Zellweger spectrum disorders (ZS). Also called: Zellweger Spectrum Disorder; Zellweger Spectrum; Zellweger syndrome; Zellweger Spectrum Disorder (ZSD). Identifiers: Orphanet 912, MedGen C0043459, MONDO:0019609.

Allele frequency attached by ClinVar (database versions not stated): gnomAD 0.00001; ExAC 0.00002; gnomAD exomes 0.00002; TOPMed 0.00002.
gnomAD v4.1: 36 of 1,587,008 alleles (0.0023%); highest among the groups gnomAD compares: Non-Finnish European, 0.0029%; no homozygotes.

Submissions (3):

Labcorp Genetics (formerly Invitae), Labcorp
Classification: Likely benign for Zellweger spectrum disorders. Last evaluated: 2025-10-02. Review status: criteria provided, single submitter. Criteria: Invitae Variant Classification Sherloc (09022015). Collection method: clinical testing. Allele origin: germline.

CeGaT Center for Human Genetics Tuebingen
Classification: Likely benign. Last evaluated: 2023-11-01. Review status: criteria provided, single submitter. Criteria: CeGaT Center For Human Genetics Tuebingen Variant Classification Criteria Version 2. Collection method: clinical testing. Allele origin: germline. Affected: yes. Observed: 1 variant allele.
Comment: PEX1: BP4, BP7

Blueprint Genetics
Classification: Likely benign. Last evaluated: 2023-07-06. Review status: criteria provided, single submitter. Criteria: ACMG Guidelines, 2015. Collection method: clinical testing. Allele origin: germline.

NM_000466.3(PEX1):c.282C>G (p.Leu94=)

Gene: PEX1 (peroxisomal biogenesis factor 1; minus strand). Cytogenetic location: 7q21.2.
Variant type: single nucleotide variant.
Coding change: c.282C>G on transcript NM_000466.3 (MANE Select); coding-DNA position 282, C replaced by G.
Protein change: p.Leu94=; no amino-acid change (leucine 94 retained).
Molecular consequence: synonymous variant. On other transcripts: 5 prime UTR variant (1).
Genome position (GRCh38, 1-based): chr7:92,519,070, G>C on the plus strand (C>G on the coding strand, the complement: PEX1 is on the minus strand). VCF-style: chr7-92519070-G-C. GRCh37 (hg19) VCF-style: chr7-92148384-G-C.
Other names: c.282C>G, p.Leu94= (NM_001282677.2); c.-378C>G (NM_001282678.2).
Identifiers: ClinVar variation 1093476 (VCV001093476.32), dbSNP rs201368809, ClinGen allele CA4341645.
Genomic context (GRCh38, chr7:92,519,070, plus strand): 5'-ATCTGCTGAGAGGGGTTCCACCTCAACTTGTTGACAAGATACCACATGGGAACATGGCTT[G>C]AGAAATACCTAGAAAAAATTAAAAATTTAAAACTACTTTAAAAAAACTTTTCTGTGTCAT-3'
Protein context (NP_000457.1, residues 84-104): LGLSNGGQVF[Leu94=]KPCSHVVSCQ